The following is an entry in ClinVar:

NM_005120.3(MED12):c.2924T>A (p.Leu975His)

Gene: MED12 (mediator complex subunit 12; plus strand). Cytogenetic location: Xq13.1.
Variant type: single nucleotide variant.
Coding change: c.2924T>A on transcript NM_005120.3 (MANE Select); coding-DNA position 2924, T replaced by A.
Protein change: p.Leu975His; replaces leucine 975 with histidine.
Molecular consequence: missense variant.
Genome position (GRCh38, 1-based): chrX:71,127,410, T>A. VCF-style: chrX-71127410-T-A. GRCh37 (hg19) VCF-style: chrX-70347260-T-A.
Other names: short protein forms L975H.
Identifiers: ClinVar variation 4879240 (VCV004879240.1).

ClinVar aggregate classification (germline): Uncertain significance (1 of 4 stars; one submission).

Conditions:
X-linked intellectual disability with marfanoid habitus. Also called: X-linked mental retardation with marfanoid habitus syndrome; Lujan Syndrome; INTELLECTUAL DEVELOPMENTAL DISORDER, X-LINKED, SYNDROMIC, LUJAN-FRYNS TYPE; Lujan Syndrome (LS). Identifiers: Orphanet 776, MedGen C0796022, MONDO:0010655, OMIM 309520.
FG syndrome 1 (OKS). Also called: OPITZ-KAVEGGIA SYNDROME; KELLER SYNDROME; MENTAL RETARDATION, LARGE HEAD, IMPERFORATE ANUS, CONGENITAL HYPOTONIA, AND PARTIAL AGENESIS OF CORPUS CALLOSUM; FG Syndrome Type 1 (FGS1). Identifiers: Orphanet 93932, MedGen C5399762, MONDO:0010590, OMIM 305450.
Blepharophimosis - intellectual disability syndrome, MKB type. Also called: BLEPHAROPHIMOSIS-MENTAL RETARDATION SYNDROME, MAAT-KIEVIT-BRUNNER TYPE; Ohdo syndrome, X-linked; X-Linked Ohdo Syndrome (XLOS). Identifiers: Orphanet 293707, MedGen C3698541, MONDO:0010477, OMIM 300895.

Submission:

Clinical Genomics Laboratory, Washington University in St. Louis
Classification: Uncertain significance for FG syndrome 1; X-linked intellectual disability with marfanoid habitus; Blepharophimosis - intellectual disability syndrome, MKB type. Last evaluated: 2026-02-21. Review status: criteria provided, single submitter. Criteria: ACMG Guidelines, 2015. Collection method: clinical testing. Allele origin: germline.
Comment: The MED12 c.2924T>A (p.Leu975His) variant, to our knowledge, has not been reported in the medical literature. This variant is absent from the general population (gnomAD v2.1.1), indicating it is not a common variant. Computational predictors indicate that the variant is damaging, evidence that correlates with impact to MED12 function. Due to limited information, and based on ACMG/AMP guidelines for variant interpretation (Richards S et al., PMID: 25741868), the clinical significance of this variant is uncertain at this time.